The following is an entry in ClinVar:

NM_003002.4(SDHD):c.117del (p.Ile40fs)

Gene: SDHD (succinate dehydrogenase complex subunit D; plus strand). Cytogenetic location: 11q23.1.
Variant type: Deletion.
Coding change: c.117del on transcript NM_003002.4 (MANE Select); coding-DNA position 117, one base deleted (T; older notation c.117delT).
Protein change: p.Ile40fs; shifts the reading frame from isoleucine 40.
Molecular consequence: frameshift variant. On other transcripts: non-coding transcript variant (1), intron variant (1).
Genome position (GRCh38, 1-based): chr11:112,087,921, T deleted. VCF-style (leftmost placement, unchanged base first): chr11-112087920-CT-C. GRCh37 (hg19) VCF-style: chr11-111958644-CT-C.
Other names: c.117del, p.Ile40fs (NM_001276503.2, NM_001276506.2); c.53-946del (NM_001276504.2); short protein forms I40fs.
Identifiers: ClinVar variation 2574077 (VCV002574077.1), dbSNP rs2498900005, ClinGen allele CA2697558952.
Genomic context (GRCh38, chr11:112,087,920, plus strand): 5'-TGTTGCTTCGAACTCCAGTGGTCAGACCTGCTCATATCTCAGCATTTCTTCAGGACCGAC[CT>C]ATCCCAGAATGGTGTGGAGTGCAGCACATACACTTGTCACCGAGCCACCATTGTATGTTC-3'

ClinVar aggregate classification (germline): Likely pathogenic (0 of 4 stars; one submission).

Conditions:
Pheochromocytoma/paraganglioma syndrome 1. Also called: PARAGANGLIOMAS, FAMILIAL NONCHROMAFFIN, 1; PGL 1; Paragangliomas familial 1; PARAGANGLIOMATA; Paraganglioma - glomus jugulare; SDHD-Related Hereditary Paraganglioma-Pheochromocytoma Syndrome. Identifiers: Orphanet 29072, MedGen C3494181, MONDO:0008192, OMIM 168000.

Submission:

deCODE genetics, Amgen
Classification: Likely pathogenic for Pheochromocytoma/paraganglioma syndrome 1. Last evaluated: 2023-07-21. Review status: no assertion criteria provided. Collection method: research. Allele origin: germline. Affected: yes. Observed: 1 variant allele.
Comment: The variant NM_003002.4:c.117del (chr11:112087920) in SDHD was detected in 1 heterozygote out of 58K WGS Icelanders (MAF= 0,001%). This variant has not been reported in ClinVar previously. Based on ACMG criteria (PVS1, PM2) this variant classifies as likely pathogenic.